The following is an entry in ClinVar:

NM_001267550.2(TTN):c.94365G>A (p.Trp31455Ter)

Genes: TTN (titin; minus strand), TTN-AS1 (TTN antisense RNA 1; plus strand). Cytogenetic location: 2q31.2.
Variant type: single nucleotide variant.
Coding change: c.94365G>A on transcript NM_001267550.2 (MANE Select); coding-DNA position 94365, G replaced by A.
Protein change: p.Trp31455Ter; replaces tryptophan 31455 with a stop codon.
Molecular consequence: nonsense.
Genome position (GRCh38, 1-based): chr2:178,547,160, C>T on the plus strand (G>A on the coding strand, the complement: TTN is on the minus strand). VCF-style: chr2-178547160-C-T. GRCh37 (hg19) VCF-style: chr2-179411887-C-T.
Other names: c.89442G>A, p.Trp29814Ter (NM_001256850.1); c.67170G>A, p.Trp22390Ter (NM_003319.4); c.86661G>A, p.Trp28887Ter (NM_133378.4); c.67545G>A, p.Trp22515Ter (NM_133432.3); c.67746G>A, p.Trp22582Ter (NM_133437.4); short protein forms W22390*, W28887*, W29814*, W31455*, W22515*, W22582*.
Identifiers: ClinVar variation 2111718 (VCV002111718.4), dbSNP rs2469082011, ClinGen allele CA349474776.
Genomic context (GRCh38, chr2:178,547,160, plus strand): 5'-TTCTACTAAACCAGTTACTTTGTAGTTGCACTCTAAGCATGGCACTTTGTTTTCTTTCAC[C>T]CAAAGAATTGTATTACGTTCTTTCTTCTCAACCCAGTAGCCAATGATTTTACTGCCACCA-3'

ClinVar aggregate classification (germline): Likely pathogenic (1 of 4 stars; one submission).

Conditions:
Dilated cardiomyopathy 1G (CMD1G). Identifiers: Orphanet 154, MedGen C1858763, MONDO:0011400, OMIM 604145.
Autosomal recessive limb-girdle muscular dystrophy type 2J (LGMDR10). Also called: Limb-girdle muscular dystrophy, type 2J; MUSCULAR DYSTROPHY, LIMB-GIRDLE, AUTOSOMAL RECESSIVE 10. Identifiers: Orphanet 140922, MedGen C1837342, MONDO:0012127, OMIM 608807.

Submission:

Labcorp Genetics (formerly Invitae), Labcorp
Classification: Likely pathogenic for Dilated cardiomyopathy 1G; Autosomal recessive limb-girdle muscular dystrophy type 2J. Last evaluated: 2022-03-14. Review status: criteria provided, single submitter. Criteria: Invitae Variant Classification Sherloc (09022015). Collection method: clinical testing. Allele origin: germline.
Comment: This sequence change creates a premature translational stop signal (p.Trp31455*) in the TTN gene. While this is not anticipated to result in nonsense mediated decay, it is expected to create a truncated TTN protein. This variant is not present in population databases (gnomAD no frequency). This variant has not been reported in the literature in individuals affected with TTN-related conditions. This variant is located in the A band of TTN (PMID: 25589632). Truncating variants in this region are significantly overrepresented in patients affected with dilated cardiomyopathy (PMID: 25589632). Truncating variants in this region have also been reported in individuals affected with autosomal recessive centronuclear myopathy (PMID: 23975875). In summary, the currently available evidence indicates that the variant is pathogenic, but additional data are needed to prove that conclusively. Therefore, this variant has been classified as Likely Pathogenic.

Literature cited by the submitters: PubMed 25589632; PubMed 23975875.